The following is an entry in ClinVar:

ClinVar aggregate classification (germline): Likely benign (1 of 4 stars; one submission).

Conditions:
Birt-Hogg-Dube syndrome 1 (BHD1). Also called: FIBROFOLLICULOMAS WITH TRICHODISCOMAS AND ACROCHORDONS. Identifiers: Orphanet 122, MedGen CN375946, MONDO:0800445, OMIM 135150.

gnomAD v4.1: 1 of 1,613,608 alleles (0.000062%); highest among the groups gnomAD compares: South Asian, 0.0011%; no homozygotes.

Submission:

Myriad Genetics, Inc.
Classification: Likely benign for Birt-Hogg-Dube syndrome 1. Last evaluated: 2024-10-23. Review status: criteria provided, single submitter. Criteria: Myriad Autosomal Dominant, Autosomal Recessive and X-Linked Classification Criteria (2023). Collection method: clinical testing. Allele origin: unknown.
Comment: This variant is considered likely benign. This variant is intronic and is not expected to impact mRNA splicing.

NM_144997.7(FLCN):c.871+6G>T

Gene: FLCN (folliculin; minus strand). Cytogenetic location: 17p11.2.
Variant type: single nucleotide variant.
Coding change: c.871+6G>T on transcript NM_144997.7 (MANE Select); 6 bases into the intron after coding-DNA position 871, G replaced by T.
Molecular consequence: intron variant. On other transcripts: missense variant (1).
Genome position (GRCh38, 1-based): chr17:17,221,531, C>A on the plus strand (G>T on the coding strand, the complement: FLCN is on the minus strand). VCF-style: chr17-17221531-C-A. GRCh37 (hg19) VCF-style: chr17-17124845-C-A.
Other names: c.877G>T, p.Ala293Ser (NM_144606.7); c.871+6G>T (NM_001353231.2, NM_001353230.2); c.925+6G>T (NM_001353229.2); short protein forms A293S.
Identifiers: ClinVar variation 3773061 (VCV003773061.1).